The following is an entry in ClinVar:

NM_001458.5(FLNC):c.7118A>G (p.Tyr2373Cys)

Genes: FLNC (filamin C; plus strand), FLNC-AS1 (FLNC antisense RNA 1; minus strand). Cytogenetic location: 7q32.1.
Variant type: single nucleotide variant.
Coding change: c.7118A>G on transcript NM_001458.5 (MANE Select); coding-DNA position 7118, A replaced by G.
Protein change: p.Tyr2373Cys; replaces tyrosine 2373 with cysteine.
Molecular consequence: missense variant.
Genome position (GRCh38, 1-based): chr7:128,854,895, A>G. VCF-style: chr7-128854895-A-G. GRCh37 (hg19) VCF-style: chr7-128494949-A-G.
Other names: c.7019A>G, p.Tyr2340Cys (NM_001127487.2); short protein forms Y2340C, Y2373C.
Identifiers: ClinVar variation 1757242 (VCV001757242.4), dbSNP rs1021731214, ClinGen allele CA166193094.
Genomic context (GRCh38, chr7:128,854,895, plus strand): 5'-GTCCTAGCAAAGCGGAGATTGCATTTGAGGATCGCAAAGATGGCTCCTGCGGCGTCTCCT[A>G]TGTCGTCCAGGAACCAGGTGGGCGTCCACACTGGCAGTGGGGCTGGGCCTGCCTGACCTT-3'
Protein context (NP_001449.3, residues 2363-2383): DRKDGSCGVS[Tyr2373Cys]VVQEPGDYEV

ClinVar aggregate classification (germline): Uncertain significance. Review status: criteria provided, multiple submitters, no conflicts (2 of 4 stars). 2 submissions from 2 submitters: Uncertain significance (2). Last evaluated 2025-09-08.

Conditions:
Cardiovascular phenotype. Identifiers: MedGen CN230736.
Hypertrophic cardiomyopathy 26. Also called: Cardiomyopathy, familial hypertrophic, 26. Identifiers: Orphanet 75249, MedGen C4310749, MONDO:0014883, OMIM 617047.
Distal myopathy with posterior leg and anterior hand involvement. Also called: WILLIAMS DISTAL MYOPATHY. Identifiers: Orphanet 63273, MedGen C3279722, MONDO:0013550, OMIM 614065.
Myofibrillar myopathy 5. Also called: Filaminopathy (type); FILAMINOPATHY, AUTOSOMAL DOMINANT. Identifiers: Orphanet 171445, MedGen C1836050, MONDO:0012289, OMIM 609524.

Allele frequency attached by ClinVar (database versions not stated): TOPMed 0.00001.

Submissions (2):

Labcorp Genetics (formerly Invitae), Labcorp
Classification: Uncertain significance for Distal myopathy with posterior leg and anterior hand involvement; Myofibrillar myopathy 5; Hypertrophic cardiomyopathy 26. Last evaluated: 2025-09-08. Review status: criteria provided, single submitter. Criteria: Invitae Variant Classification Sherloc (09022015). Collection method: clinical testing. Allele origin: germline.
Comment: This sequence change replaces tyrosine, which is neutral and polar, with cysteine, which is neutral and slightly polar, at codon 2373 of the FLNC protein (p.Tyr2373Cys). This variant is not present in population databases (gnomAD no frequency). This variant has not been reported in the literature in individuals affected with FLNC-related conditions. ClinVar contains an entry for this variant (Variation ID: 1757242). Invitae Evidence Modeling of protein sequence and biophysical properties (such as structural, functional, and spatial information, amino acid conservation, physicochemical variation, residue mobility, and thermodynamic stability) has been performed for this missense variant. However, the output from this modeling did not meet the statistical confidence thresholds required to predict the impact of this variant on FLNC protein function. In summary, the available evidence is currently insufficient to determine the role of this variant in disease. Therefore, it has been classified as a Variant of Uncertain Significance.

Ambry Genetics
Classification: Uncertain significance for Cardiovascular phenotype. Last evaluated: 2024-10-29. Review status: criteria provided, single submitter. Criteria: Ambry Variant Classification Scheme 2023. Collection method: clinical testing. Allele origin: germline.
Comment: The p.Y2373C variant (also known as c.7118A>G), located in coding exon 42 of the FLNC gene, results from an A to G substitution at nucleotide position 7118. The tyrosine at codon 2373 is replaced by cysteine, an amino acid with highly dissimilar properties. This amino acid position is highly conserved in available vertebrate species. In addition, this alteration is predicted to be deleterious by in silico analysis. Since supporting evidence is limited at this time, the clinical significance of this alteration remains unclear.